The following is an entry in ClinVar:

ClinVar aggregate classification (germline): Conflicting classifications of pathogenicity. Review status: criteria provided, conflicting classifications (1 of 4 stars). 13 submissions from 13 submitters: Uncertain significance (12); Benign (1). Last evaluated 2026-01-27.

Conditions:
Hereditary cancer-predisposing syndrome. Also called: Tumor predisposition; Hereditary neoplastic syndrome; Neoplastic Syndromes, Hereditary; Hereditary Cancer Syndrome. Identifiers: Orphanet 140162, MedGen C0027672, MeSH D009386, MONDO:0015356.
Bloom syndrome (BLM). Also called: Bloom-Torre-Machacek syndrome. Identifiers: Orphanet 125, MedGen C0005859, MONDO:0008876, OMIM 210900.

Allele frequency attached by ClinVar (database versions not stated): gnomAD exomes 0.00010 and 0.00017; TOPMed 0.00010; gnomAD 0.00012 and 0.00013; ExAC 0.00013; ESP Exome Variant Server 0.00015; 1000 Genomes Project 30x 0.00016; 1000 Genomes Project 0.00020.
gnomAD v4.1: 178 of 1,613,330 alleles (0.011%); highest among the groups gnomAD compares: Middle Eastern, 0.16%; no homozygotes.

Submissions (13):

Labcorp Genetics (formerly Invitae), Labcorp
Classification: Benign for Bloom syndrome. Last evaluated: 2026-01-27. Review status: criteria provided, single submitter. Criteria: Invitae Variant Classification Sherloc (09022015). Collection method: clinical testing. Allele origin: germline.

GeneDx
Classification: Uncertain significance. Last evaluated: 2025-04-13. Review status: criteria provided, single submitter. Criteria: GeneDx Variant Classification Process June 2021. Collection method: clinical testing. Allele origin: germline. Affected: yes.
Comment: Published functional studies demonstrate no damaging effect on helicase activity (PMID: 23129629); In silico analysis supports that this missense variant has a deleterious effect on protein structure/function; Observed as heterozygous in individuals with familial colorectal cancer, primary ovarian insufficiency, or short telomeres, bone marrow failure, hepatosplenomegaly, and increased transaminases (PMID: 30995915, 30256826, 34803902, 36099812); This variant is associated with the following publications: (PMID: 30256826, 36099812, 30995915, 30306255, 23129629, 34803902)

Center for Genomic Medicine, Rigshospitalet, Copenhagen University Hospital
Classification: Uncertain significance. Last evaluated: 2025-03-04. Review status: criteria provided, single submitter. Criteria: ACMG Guidelines, 2015. Collection method: clinical testing. Allele origin: germline.

St. Jude Molecular Pathology, St. Jude Children's Research Hospital
Classification: Uncertain significance for Bloom syndrome. Last evaluated: 2024-10-02. Review status: criteria provided, single submitter. Criteria: St. Jude Assertion Criteria 2020. Collection method: clinical testing. Allele origin: germline.
Comment: The BLM c.2333C>G (p.Ser778Cys) missense change has a maximum non-founder subpopulation frequency of 0.014% in gnomAD v2.1.1. The in silico tool REVEL predicts a deleterious effect on protein function, however the variant did not demonstrate hypersensitivity as compared to the wild-type in a yeast-based DNA-damage assay suggesting that it may be neutral (PMID: 23129629). This variant has been reported in individuals affected with colorectal cancer (PMID: 30256826), personal and/or family history of breast/ovarian cancer (PMID: 30306255), and dyskeratosis congenita (PMID: 30995915). This variant has not been reported in individuals with Bloom syndrome. In summary, the evidence currently available is insufficient to determine the clinical significance of this variant. It has therefore been classified as of uncertain significance

Blueprint Genetics
Classification: Uncertain significance. Last evaluated: 2024-08-14. Review status: criteria provided, single submitter. Criteria: ACMG Guidelines, 2015. Collection method: clinical testing. Allele origin: germline.

Fulgent Genetics
Classification: Uncertain significance for Bloom syndrome. Last evaluated: 2024-02-08. Review status: criteria provided, single submitter. Criteria: ACMG Guidelines, 2015. Collection method: clinical testing. Allele origin: germline.

CeGaT Center for Human Genetics Tuebingen
Classification: Uncertain significance. Last evaluated: 2023-07-01. Review status: criteria provided, single submitter. Criteria: CeGaT Center For Human Genetics Tuebingen Variant Classification Criteria Version 2. Collection method: clinical testing. Allele origin: germline. Affected: yes. Observed: 1 variant allele.
Comment: BLM: PM2

Ambry Genetics
Classification: Uncertain significance for Hereditary cancer-predisposing syndrome. Last evaluated: 2022-10-20. Review status: criteria provided, single submitter. Criteria: Ambry Variant Classification Scheme 2023. Collection method: clinical testing. Allele origin: germline.
Comment: The p.S778C variant (also known as c.2333C>G), located in coding exon 10 of the BLM gene, results from a C to G substitution at nucleotide position 2333. The serine at codon 778 is replaced by cysteine, an amino acid with dissimilar properties. This alteration was not found to show hypersensitivity to the DNA damaging agent hydroxyurea, as compared to the wild-type allele, in a humanized yeast model (Mirzaei H et al. Proc. Natl. Acad. Sci. U.S.A., 2012 Nov;109:19357-62). This alteration was identified in an individual at an increased risk of hereditary breast and/or ovarian cancer syndrome (HBOC) (Bonache S et al. J Cancer Res Clin Oncol, 2018 Dec;144:2495-2513). This amino acid position is highly conserved in available vertebrate species. In addition, the in silico prediction for this alteration is inconclusive. Since supporting evidence is limited at this time, the clinical significance of this alteration remains unclear.

Institute for Clinical Genetics, University Hospital TU Dresden, University Hospital TU Dresden
Classification: Uncertain significance. Last evaluated: 2021-11-03. Review status: criteria provided, single submitter. Criteria: ACMG Guidelines, 2015. Collection method: clinical testing. Allele origin: germline.

Sema4
Classification: Uncertain significance for Hereditary cancer-predisposing syndrome. Last evaluated: 2021-09-01. Review status: criteria provided, single submitter. Criteria: Sema4 Curation Guidelines. Collection method: curation. Allele origin: germline.
Comment: The BLM c.2333C>G (p.S778C) variant has been reported in individuals with dyskeratosis congenita / aplastic anemia, colorectal cancer, and hereditary breast/ovarian cancer (PMID: 30995915, 30256826, 30306255). This variant was observed in 26/10370 chromosomes in the Ashkenazi Jewish population, with no homozygotes in the Genome Aggregation Database (PMID: 32461654). The variant has been reported in ClinVar (Variation ID 127484). A functional study demonstrated the normal function of the protein (PMID: 23129629) and in silico predictions of the variant's effect on protein function are inconclusive. Based on the current evidence available, this variant is interpreted as a variant of uncertain significance.

Women's Health and Genetics/Laboratory Corporation of America, LabCorp
Classification: Uncertain significance. Last evaluated: 2020-11-27. Review status: criteria provided, single submitter. Criteria: LabCorp Variant Classification Summary - May 2015. Collection method: clinical testing. Allele origin: germline.
Comment: Variant summary: BLM c.2333C>G (p.Ser778Cys) results in a non-conservative amino acid change located in the DEAD/DEAH box helicase domain (IPR011545) of the encoded protein sequence. Five of five in-silico tools predict a damaging effect of the variant on protein function. The variant allele was found at a frequency of 0.00017 in 251474 control chromosomes, predominantly found in the Ashkenazi Jewish subpopulation with a frequency of 0.0025. This frequency is somewhat lower than the expected maximum for a pathogenic variant pathogenic variant in BLM causing Bloom Syndrome (0.0035), allowing no clear conclusion about variant significance. The variant, c.2333C>G, has been reported in the literature in heterozygous state in individuals affected with colorectal cancer (Martin-Morales_2018), personal and/or family history of breast/ovarian cancer (Bonache_2018), and in a patient affected with dyskeratosis congenita/aplastic anemia (Arias-Salgado_2019), however no strong evidence for causality was noted. These reports do not provide unequivocal conclusions about association of the variant with Bloom Syndrome. At least one publication reported experimental evidence evaluating an impact on protein function, and demonstrated no damaging effect of this variant in a yeast based DNA-damaging agent sensitivity assay (Mirzaei_2012). Four clinical diagnostic laboratories have submitted clinical-significance assessments for this variant to ClinVar after 2014 without evidence for independent evaluation, and classified the variant as VUS (3x) or benign (1x). Based on the evidence outlined above, the variant was classified as VUS-possibly benign.

Illumina Laboratory Services, Illumina
Classification: Uncertain significance for Bloom syndrome. Last evaluated: 2017-10-04. Review status: criteria provided, single submitter. Criteria: ICSL Variant Classification Criteria 13 December 2019. Collection method: clinical testing. Allele origin: germline.
Comment: This variant was observed as part of a predisposition screen in an ostensibly healthy population. A literature search was performed for the gene, cDNA change, and amino acid change (where applicable). Publications were found based on this search. However, the evidence from the literature, in combination with allele frequency data from public databases where available, was not sufficient to rule this variant in or out of causing disease. Therefore, this variant is classified as a variant of unknown significance.

Genetic Services Laboratory, University of Chicago
Classification: Uncertain significance. Last evaluated: 2016-11-08. Review status: criteria provided, single submitter. Criteria: ACMG Guidelines, 2015. Collection method: clinical testing. Allele origin: germline. Affected: no.

Literature cited by the submitters: PubMed 23129629 (cited by 5 submitters); PubMed 30306255 (cited by 3 submitters); PubMed 30995915 (cited by Sema4 and Women's Health and Genetics/Laboratory Corporation of America, LabCorp); PubMed 30256826 (cited by Sema4 and Women's Health and Genetics/Laboratory Corporation of America, LabCorp).

NM_000057.4(BLM):c.2333C>G (p.Ser778Cys)

Gene: BLM (BLM RecQ like helicase; plus strand). Cytogenetic location: 15q26.1.
Variant type: single nucleotide variant.
Coding change: c.2333C>G on transcript NM_000057.4 (MANE Select); coding-DNA position 2333, C replaced by G.
Protein change: p.Ser778Cys; replaces serine 778 with cysteine.
Molecular consequence: missense variant.
Genome position (GRCh38, 1-based): chr15:90,769,158, C>G. VCF-style: chr15-90769158-C-G. GRCh37 (hg19) VCF-style: chr15-91312388-C-G.
Other names: p.S778C:TCT>TGT; c.2333C>G, p.Ser778Cys (NM_001287246.2, NM_001287247.2); c.1208C>G, p.Ser403Cys (NM_001287248.2); c.2333C>G (LRG_20t1); short protein forms S778C, S403C.
Identifiers: ClinVar variation 127484 (VCV000127484.63), dbSNP rs139610577, ClinGen allele CA287068.
Genomic context (GRCh38, chr15:90,769,158, plus strand): 5'-AGTGTTTTTACATGTCTAATGTATTTCTGGCCTAGATCTGTGCAAGTAACAGACTCATTT[C>G]TACTCTGGAGAATCTCTATGAGAGGAAGCTCTTGGCACGTTTTGTTATTGATGAAGCACA-3'
Protein context (NP_000048.1, residues 768-788): EKICASNRLI[Ser778Cys]TLENLYERKL